The following is an entry in ClinVar:

ClinVar aggregate classification (germline): Likely benign. Review status: criteria provided, multiple submitters, no conflicts (2 of 4 stars). 3 submissions from 3 submitters: Likely benign (2). 1 of the submissions does not count toward it. Last evaluated 2026-07-01.

Conditions:
PCGF2-related disorder. Also called: PCGF2-related condition.

Allele frequency attached by ClinVar (database versions not stated): 1000 Genomes Project 0.00160; gnomAD 0.00350; ESP Exome Variant Server 0.00423.
gnomAD v4.1: 4,569 of 1,301,654 alleles (0.35%); highest among the groups gnomAD compares: Non-Finnish European, 0.39%; 9 homozygotes.

Submissions (3):

CeGaT Center for Human Genetics Tuebingen
Classification: Likely benign. Last evaluated: 2026-07-01. Review status: criteria provided, single submitter. Criteria: CeGaT Center For Human Genetics Tuebingen Variant Classification Criteria Version 2. Collection method: clinical testing. Allele origin: germline. Affected: yes. Observed: 11 variant alleles.
Comment: PCGF2: BP4

Blueprint Genetics
Classification: Likely benign. Last evaluated: 2024-11-15. Review status: criteria provided, single submitter. Criteria: ACMG Guidelines, 2015. Collection method: clinical testing. Allele origin: germline.

PreventionGenetics, part of Exact Sciences
Classification: Likely benign for PCGF2-related condition. Last evaluated: 2024-07-20. Review status: no assertion criteria provided. Collection method: clinical testing. Allele origin: germline. Not counted in ClinVar's aggregate classification.
Comment: This variant is classified as likely benign based on ACMG/AMP sequence variant interpretation guidelines (Richards et al. 2015 PMID: 25741868, with internal and published modifications).

NM_007144.3(PCGF2):c.-6G>A

Gene: PCGF2 (polycomb group ring finger 2; minus strand). Cytogenetic location: 17q12.
Variant type: single nucleotide variant.
Coding change: c.-6G>A on transcript NM_007144.3 (MANE Select); 6 bases upstream of the start codon, G replaced by A.
Molecular consequence: 5 prime UTR variant.
Genome position (GRCh38, 1-based): chr17:38,740,408, C>T on the plus strand (G>A on the coding strand, the complement: PCGF2 is on the minus strand). VCF-style: chr17-38740408-C-T. GRCh37 (hg19) VCF-style: chr17-36896661-C-T.
Other names: c.-6G>A (NM_001369614.1, NM_001369615.1, NM_007144.2).
Identifiers: ClinVar variation 2647706 (VCV002647706.26), dbSNP rs182900980, ClinGen allele CA8525186.
Genomic context (GRCh38, chr17:38,740,408, plus strand): 5'-CACACATGAGGTGGGGGTTCAGCTCTGTGATTTTGATCCGTGTAGTCCGATGCATGATTC[C>T]GGGGTCGGGGGTGGGGGGACTGGGGAGCGTTGCCCTGGGAAACGGAAGTGGAATCAGAAA-3'